The following is an entry in ClinVar:

NM_001267550.2(TTN):c.39663A>T (p.Lys13221Asn)

Gene: TTN (titin; minus strand). Cytogenetic location: 2q31.2.
Variant type: single nucleotide variant.
Coding change: c.39663A>T on transcript NM_001267550.2 (MANE Select); coding-DNA position 39663, A replaced by T.
Protein change: p.Lys13221Asn; replaces lysine 13221 with asparagine.
Molecular consequence: missense variant. On other transcripts: intron variant (3).
Genome position (GRCh38, 1-based): chr2:178,650,797, T>A on the plus strand (A>T on the coding strand, the complement: TTN is on the minus strand). VCF-style: chr2-178650797-T-A. GRCh37 (hg19) VCF-style: chr2-179515524-T-A.
Other names: c.35142A>T, p.Lys11714Asn (NM_001256850.1); c.32361A>T, p.Lys10787Asn (NM_133378.4); c.13283-8480A>T (NM_003319.4); c.13859-8480A>T (NM_133437.4); c.13658-8480A>T (NM_133432.3); short protein forms K11714N, K13221N, K10787N.
Identifiers: ClinVar variation 682008 (VCV000682008.1), dbSNP rs1576940974, ClinGen allele CA349452886.

ClinVar aggregate classification (germline): Likely benign (1 of 4 stars; one submission).

Allele frequency attached by ClinVar (database versions not stated): gnomAD exomes below 0.00001.
gnomAD v4.1: 1 of 1,607,908 alleles (0.000062%); highest among the groups gnomAD compares: Non-Finnish European, 0.000085%; no homozygotes.

Submission:

GeneDx
Classification: Likely benign. Last evaluated: 2018-04-13. Review status: criteria provided, single submitter. Criteria: GeneDx Variant Classification (06012015). Collection method: clinical testing. Allele origin: germline. Affected: yes.
Comment: This variant is considered likely benign or benign based on one or more of the following criteria: it is a conservative change, it occurs at a poorly conserved position in the protein, it is predicted to be benign by multiple in silico algorithms, and/or has population frequency not consistent with disease.